The following is an entry in ClinVar:

NM_182548.4(LHFPL5):c.525C>A (p.Ile175=)

Gene: LHFPL5 (LHFPL tetraspan subfamily member 5; plus strand). Cytogenetic location: 6p21.31.
Variant type: single nucleotide variant.
Coding change: c.525C>A on transcript NM_182548.4 (MANE Select); coding-DNA position 525, C replaced by A.
Protein change: p.Ile175=; no amino-acid change (isoleucine 175 retained).
Molecular consequence: synonymous variant.
Genome position (GRCh38, 1-based): chr6:35,814,658, C>A. VCF-style: chr6-35814658-C-A. GRCh37 (hg19) VCF-style: chr6-35782435-C-A.
Identifiers: ClinVar variation 227501 (VCV000227501.5), dbSNP rs557741915, ClinGen allele CA3774433.

ClinVar aggregate classification (germline): Likely benign (1 of 4 stars; one submission).

gnomAD v4.1: 2 of 1,614,176 alleles (0.00012%); highest among the groups gnomAD compares: East Asian, 0.0022%; no homozygotes.

Submission:

Laboratory for Molecular Medicine, Mass General Brigham Personalized Medicine
Classification: Likely benign. Last evaluated: 2015-06-10. Review status: criteria provided, single submitter. Criteria: LMM Criteria. Collection method: clinical testing. Allele origin: germline. Observed: 1 variant allele.
Comment: p.Ile175Ile in exon 2 of LHFPL5: This variant is not expected to have clinical s ignificance because it does not alter an amino acid residue and is not located w ithin the splice consensus sequence. It has been identified in 1/8646 East Asian chromosomes by the Exome Aggregation Consortium Sequencing Project (.).